The following is an entry in ClinVar:

NM_000038.5(APC):c.-30712G>A

Gene: APC (APC regulator of Wnt signaling pathway; plus strand). Cytogenetic location: 5q22.2.
Variant type: single nucleotide variant.
Coding change: c.-30712G>A on transcript NM_000038.5; 30712 bases upstream of the start codon, G replaced by A.
Genome position (GRCh38, 1-based): chr5:112,707,232, G>A. VCF-style: chr5-112707232-G-A. GRCh37 (hg19) VCF-style: chr5-112042929-G-A.
Identifiers: ClinVar variation 506406 (VCV000506406.3), dbSNP rs73216228, ClinGen allele CA124924471.
Genomic context (GRCh38, chr5:112,707,232, plus strand): 5'-TGAGCCCTTGTGGGGCTGGGACAGAATTTTATTCATCTTTCTATCATCAGCGTCTAGTAC[G>A]GGGAGTAGCAAATAGTGAGCACTCGATAGATGTTTGCGGAATAATGGACTAGTGTGTGCA-3'

ClinVar aggregate classification (germline): Benign (1 of 4 stars; one submission).

Allele frequency attached by ClinVar (database versions not stated): gnomAD 0.02666 and 0.02857; 1000 Genomes Project 0.02895; TOPMed 0.03032; 1000 Genomes Project 30x 0.03092.

Submission:

GeneDx
Classification: Benign. Last evaluated: 2017-10-02. Review status: criteria provided, single submitter. Criteria: GeneDx Variant Classification (06012015). Collection method: clinical testing. Allele origin: germline. Affected: yes.
Comment: This variant is considered likely benign or benign based on one or more of the following criteria: it is a conservative change, it occurs at a poorly conserved position in the protein, it is predicted to be benign by multiple in silico algorithms, and/or has population frequency not consistent with disease.